The following is an entry in ClinVar:

ClinVar aggregate classification (germline): Likely benign (1 of 4 stars; one submission).

Conditions:
Familial thoracic aortic aneurysm and aortic dissection (TAAD). Also called: Thoracic aortic aneurysms and dissections. Identifiers: Orphanet 91387, MedGen C4707243, MONDO:0019625.

gnomAD v4.1: 1 of 1,614,214 alleles (0.000062%); highest among the groups gnomAD compares: Non-Finnish European, 0.000085%; no homozygotes.

Submission:

All of Us Research Program, National Institutes of Health
Classification: Likely benign for Familial thoracic aortic aneurysm and aortic dissection. Last evaluated: 2024-07-20. Review status: criteria provided, single submitter. Criteria: ACMG Guidelines, 2015. Collection method: clinical testing. Allele origin: germline. Inheritance: Autosomal dominant inheritance. Observed: 1 variant allele, 1 heterozygote.
Comment: This study involves interpretation of variants in research participants for the purpose of population health screening. Participant phenotype was not available at the time of variant classification. Additional details can be found in publication PMID: 35346344, PMCID: PMC8962531

NM_002474.3(MYH11):c.3513G>A (p.Lys1171=)

Gene: MYH11 (myosin heavy chain 11; minus strand). Cytogenetic location: 16p13.11.
Variant type: single nucleotide variant.
Coding change: c.3513G>A on transcript NM_002474.3 (MANE Select); coding-DNA position 3513, G replaced by A.
Protein change: p.Lys1171=; no amino-acid change (lysine 1171 retained).
Molecular consequence: synonymous variant.
Genome position (GRCh38, 1-based): chr16:15,732,702, C>T on the plus strand (G>A on the coding strand, the complement: MYH11 is on the minus strand). VCF-style: chr16-15732702-C-T. GRCh37 (hg19) VCF-style: chr16-15826559-C-T.
Other names: c.3534G>A, p.Lys1178= (NM_001040113.2, NM_001040114.2); c.3513G>A, p.Lys1171= (NM_022844.3).
Identifiers: ClinVar variation 3387195 (VCV003387195.1).
Genomic context (GRCh38, chr16:15,732,702, plus strand): 5'-CTCATGGGACCGCGTCTCTTCATCCAGGGCCTTCTTCAGCACCGTCACCTCCTGCTCCCT[C>T]TTGGCCCTTGGTGGGAGGAACACAGTGAATGGCAGTTGGGTGGAGACAGAGGGTCATCTC-3'
Protein context (NP_002465.1, residues 1161-1181): STATQQELRA[Lys1171=]REQEVTVLKK